The following is an entry in ClinVar:

NM_001166114.2(PNPLA6):c.154G>A (p.Val52Met)

Gene: PNPLA6 (patatin like domain 6, lysophospholipase; plus strand). Cytogenetic location: 19p13.2.
Variant type: single nucleotide variant.
Coding change: c.154G>A on transcript NM_001166114.2 (MANE Select); coding-DNA position 154, G replaced by A.
Protein change: p.Val52Met; replaces valine 52 with methionine.
Molecular consequence: missense variant.
Genome position (GRCh38, 1-based): chr19:7,535,942, G>A. VCF-style: chr19-7535942-G-A. GRCh37 (hg19) VCF-style: chr19-7600828-G-A.
Other names: c.181G>A, p.Val61Met (NM_001166111.2); c.37G>A, p.Val13Met (NM_001166112.2, NM_001166113.1, NM_006702.5); short protein forms V13M, V52M, V61M.
Identifiers: ClinVar variation 1944899 (VCV001944899.5), dbSNP rs1179046687, ClinGen allele CA403096105.
Genomic context (GRCh38, chr19:7,535,942, plus strand): 5'-GGCTCGGCGGGACGGATTTGCGGTGCGCAGCCAGTGCCGTTCGTCCCTCAGGTGCTTGGC[G>A]TGATGATCGGGGCCGGAGTGGCGGTGGTGGTCACGGCCGTGCTCATCCTCCTGGTGGTGC-3'
Protein context (NP_001159586.1, residues 42-62): PVPFVPQVLG[Val52Met]MIGAGVAVVV

ClinVar aggregate classification (germline): Uncertain significance (1 of 4 stars; one submission).

Conditions:
Hereditary spastic paraplegia 39 (SPG39). Also called: SPASTIC PARAPLEGIA 39, AUTOSOMAL RECESSIVE; Spastic Paraplegia Type 39 (SPG39). Identifiers: Orphanet 139480, MedGen C2677586, MONDO:0012787, OMIM 612020.

Allele frequency attached by ClinVar (database versions not stated): gnomAD exomes below 0.00001; gnomAD 0.00001.

Submission:

Labcorp Genetics (formerly Invitae), Labcorp
Classification: Uncertain significance for Hereditary spastic paraplegia 39. Last evaluated: 2023-04-06. Review status: criteria provided, single submitter. Criteria: Invitae Variant Classification Sherloc (09022015). Collection method: clinical testing. Allele origin: germline.
Comment: This sequence change replaces valine, which is neutral and non-polar, with methionine, which is neutral and non-polar, at codon 13 of the PNPLA6 protein (p.Val13Met). This variant is present in population databases (no rsID available, gnomAD 0.0009%). This variant has not been reported in the literature in individuals affected with PNPLA6-related conditions. ClinVar contains an entry for this variant (Variation ID: 1944899). Advanced modeling of protein sequence and biophysical properties (such as structural, functional, and spatial information, amino acid conservation, physicochemical variation, residue mobility, and thermodynamic stability) performed at Invitae indicates that this missense variant is not expected to disrupt PNPLA6 protein function. In summary, the available evidence is currently insufficient to determine the role of this variant in disease. Therefore, it has been classified as a Variant of Uncertain Significance.